The following is an entry in ClinVar:

NM_001360.3(DHCR7):c.92G>A (p.Arg31His)

Gene: DHCR7 (7-dehydrocholesterol reductase; minus strand). Cytogenetic location: 11q13.4.
Variant type: single nucleotide variant.
Coding change: c.92G>A on transcript NM_001360.3 (MANE Select); coding-DNA position 92, G replaced by A.
Protein change: p.Arg31His; replaces arginine 31 with histidine.
Molecular consequence: missense variant.
Genome position (GRCh38, 1-based): chr11:71,444,861, C>T on the plus strand (G>A on the coding strand, the complement: DHCR7 is on the minus strand). VCF-style: chr11-71444861-C-T. GRCh37 (hg19) VCF-style: chr11-71155907-C-T.
Other names: c.92G>A, p.Arg31His (NM_001163817.2); short protein forms R31H.
Identifiers: ClinVar variation 501845 (VCV000501845.20), dbSNP rs370307688, ClinGen allele CA6162708.

ClinVar aggregate classification (germline): Conflicting classifications of pathogenicity. Review status: criteria provided, conflicting classifications (1 of 4 stars). 10 submissions from 10 submitters: Likely pathogenic (3); Uncertain significance (6); Likely benign (1). Last evaluated 2026-01-27.

Conditions:
DHCR7-related disorder. Also called: DHCR7-related condition.
Smith-Lemli-Opitz syndrome (SLOS). Also called: LETHAL ACRODYSGENITAL SYNDROME; POLYDACTYLY, SEX REVERSAL, RENAL HYPOPLASIA, AND UNILOBAR LUNG; RSH SYNDROME; RUTLEDGE LETHAL MULTIPLE CONGENITAL ANOMALY SYNDROME; 7-Dehydrocholesterol reductase deficiency. Identifiers: Orphanet 818, MedGen C0175694, MONDO:0010035, OMIM 270400.

Allele frequency attached by ClinVar (database versions not stated): ESP Exome Variant Server 0.00015; ExAC 0.00002; gnomAD exomes 0.00003; gnomAD 0.00006; TOPMed 0.00007.
gnomAD v4.1: 144 of 1,613,740 alleles (0.0089%); highest among the groups gnomAD compares: Non-Finnish European, 0.011%; no homozygotes.

Submissions (10):

GeneDx
Classification: Likely pathogenic. Last evaluated: 2026-01-27. Review status: criteria provided, single submitter. Criteria: GeneDx Variant Classification Process June 2021. Collection method: clinical testing. Allele origin: germline.
Comment: Not observed at significant frequency in large population cohorts (gnomAD); In silico analysis supports that this missense variant has a deleterious effect on protein structure/function; Has not been previously published as pathogenic or benign to our knowledge; This variant is associated with the following publications: (PMID: 24813812)

Women's Health and Genetics/Laboratory Corporation of America, LabCorp
Classification: Uncertain significance. Last evaluated: 2025-12-19. Review status: criteria provided, single submitter. Criteria: LabCorp Variant Classification Summary - May 2015. Collection method: clinical testing. Allele origin: germline.
Comment: Variant summary: DHCR7 c.92G>A (p.Arg31His) results in a non-conservative amino acid change in the encoded protein sequence. Algorithms developed to predict the effect of missense changes on protein structure and function all suggest that this variant is likely to be disruptive. The variant allele was found at a frequency of 3.2e-05 in 251496 control chromosomes (gnomAD). The available data on variant occurrences in the general population are insufficient to allow any conclusion about variant significance. To our knowledge, no occurrence of c.92G>A in individuals affected with Smith-Lemli-Opitz Syndrome and no experimental evidence demonstrating its impact on protein function have been reported. A different variant affecting the same codon has been classified as likely pathogenic by our lab (c.91C>T, p.Arg31Cys), supporting the critical relevance of codon 31 to DHCR7 protein function. To our knowledge, no experimental evidence demonstrating an impact on protein function has been reported. ClinVar contains an entry for this variant (Variation ID: 501845). Based on the evidence outlined above, the variant was classified as uncertain significance.

Labcorp Genetics (formerly Invitae), Labcorp
Classification: Likely pathogenic for Smith-Lemli-Opitz syndrome. Last evaluated: 2025-10-05. Review status: criteria provided, single submitter. Criteria: Invitae Variant Classification Sherloc (09022015). Collection method: clinical testing. Allele origin: germline.
Comment: This sequence change replaces arginine, which is basic and polar, with histidine, which is basic and polar, at codon 31 of the DHCR7 protein (p.Arg31His). This variant is present in population databases (rs370307688, gnomAD 0.007%). This variant has not been reported in the literature in individuals affected with DHCR7-related conditions. ClinVar contains an entry for this variant (Variation ID: 501845). Invitae Evidence Modeling of protein sequence and biophysical properties (such as structural, functional, and spatial information, amino acid conservation, physicochemical variation, residue mobility, and thermodynamic stability) indicates that this missense variant is expected to disrupt DHCR7 protein function with a positive predictive value of 95%. This variant disrupts the p.Arg31 amino acid residue in DHCR7. Other variant(s) that disrupt this residue have been determined to be pathogenic (PMID: 22438180, 28349652). This suggests that this residue is clinically significant, and that variants that disrupt this residue are likely to be disease-causing. In summary, the currently available evidence indicates that the variant is pathogenic, but additional data are needed to prove that conclusively. Therefore, this variant has been classified as Likely Pathogenic.

PreventionGenetics, part of Exact Sciences
Classification: Uncertain significance for DHCR7-related condition. Last evaluated: 2025-05-12. Review status: criteria provided, single submitter. Criteria: ACMG Guidelines, 2015. Collection method: clinical testing. Allele origin: germline.
Comment: The DHCR7 c.92G>A variant is predicted to result in the amino acid substitution p.Arg31His. To our knowledge, this variant has not been reported in the literature in individuals with DHCR7-related conditions. An alternate missense alteration at the same amino acid position has been reported in at least two individuals with Smith-Lemli-Opitz syndrome (p.Arg31Cys; Eroglu et al. 2017. PubMed ID: 28349652; Nowaczyk et al. 2012. PubMed ID: 22438180). The p.Arg31His variant is reported in 0.0070% of alleles in individuals of European (Non-Finnish) descent in gnomAD. At this time, the clinical significance of this variant is uncertain due to the absence of conclusive functional and genetic evidence.

Victorian Clinical Genetics Services, Murdoch Childrens Research Institute
Classification: Uncertain significance for Smith-Lemli-Opitz syndrome. Last evaluated: 2024-10-09. Review status: criteria provided, single submitter. Criteria: ACMG Guidelines, 2015. Collection method: clinical testing. Allele origin: germline. Inheritance: Autosomal recessive inheritance. Affected: no.
Comment: Based on the classification scheme VCGS_Germline_v1.3.4, this variant is classified as VUS-3A. Following criteria are met: 0102 - Loss of function is a known mechanism of disease in this gene and is associated with Smith-Lemli-Opitz syndrome (MIM#270400). (I) 0106 - This gene is associated with autosomal recessive disease. (I) 0115 - Variants in this gene are known to have variable expressivity. Exceptionally mild and severe cases have been reported, with intrafamilial and interfamilial variable expressivity (PMIDs: 35305950, 20301322). (I) 0200 - Variant is predicted to result in a missense amino acid change from arginine to histidine. (I) 0251 - This variant is heterozygous. (I) 0304 - Variant is present in gnomAD (v2) <0.01 for a recessive condition (10 heterozygotes, 0 homozygotes). (SP) 0309 - Multiple alternative amino acid changes at the same position have been observed in gnomAD (v2) (highest allele count: 5 heterozygotes, 0 homozygotes). (I) 0501 - Missense variant consistently predicted to be damaging by multiple in silico tools or highly conserved with a major amino acid change. (SP) 0604 - Variant is not located in an established domain, motif, hotspot or informative constraint region. (I) 0708 - Another missense variant comparable to the one identified in this case has conflicting previous evidence for pathogenicity. p.(Arg31Cys) has been classified as a VUS and as likely pathogenic by clinical laboratories in ClinVar. It has been observed as compound heterozygous in an individual with mild Smith-Lemli-Opitz syndrome in the literature (PMID: 28349652, 22438180), and along with a splice variant in an individual with a nephropathy (PMID: 30586318). (I) 0808 - Previous reports of pathogenicity for this variant are conflicting. This variant has been classified as a VUS and as likely pathogenic by clinical laboratories in ClinVar. (I) 0905 - No published segregation evidence has been identified for this variant. (I) 1007 - No published functional evidence has been identified for this variant. (I) Legend: (SP) - Supporting pathogenic, (I) - Information, (SB) - Supporting benign

Fulgent Genetics
Classification: Uncertain significance for Smith-Lemli-Opitz syndrome. Last evaluated: 2024-06-16. Review status: criteria provided, single submitter. Criteria: ACMG Guidelines, 2015. Collection method: clinical testing. Allele origin: germline.

Blueprint Genetics
Classification: Likely benign. Last evaluated: 2024-04-29. Review status: criteria provided, single submitter. Criteria: ACMG Guidelines, 2015. Collection method: clinical testing. Allele origin: germline.

Genetic Services Laboratory, University of Chicago
Classification: Uncertain significance. Last evaluated: 2019-09-24. Review status: criteria provided, single submitter. Criteria: ACMG Guidelines, 2015. Collection method: clinical testing. Allele origin: germline. Affected: no.

Eurofins Ntd Llc (ga)
Classification: Uncertain significance. Last evaluated: 2017-05-02. Review status: criteria provided, single submitter. Criteria: EGL Classification Definitions 2015. Collection method: clinical testing. Allele origin: germline. Observed: 1 variant allele, 1 heterozygote.

Department Of Human Genetics, Institute Of Clinical And Translational Research, Biomedical Research Center, Slovak Academy Of Sciences
Classification: Likely pathogenic for Smith-Lemli-Opitz syndrome. Review status: criteria provided, single submitter. Criteria: ACMG Guidelines, 2015. Collection method: research. Allele origin: germline. Inheritance: Autosomal recessive inheritance. Affected: yes.
Comment: Another variant affecting the same amino acid position, p.Arg31Cys (c.91C>T), in combination with p.Trp151*, has also been described previously in othe patient with mild SLOS (see PMID: 22438180 and PMID: 28349652), providing indirect evidence for the pathogenicity of missense substitutions at the Arg31 residue.

Literature cited by the submitters: PubMed 24813812 (cited by Women's Health and Genetics/Laboratory Corporation of America, LabCorp); PubMed 22438180 (cited by Labcorp Genetics (formerly Invitae), Labcorp and Victorian Clinical Genetics Services, Murdoch Childrens Research Institute); PubMed 28349652 (cited by Labcorp Genetics (formerly Invitae), Labcorp and Victorian Clinical Genetics Services, Murdoch Childrens Research Institute); PubMed 20301322 (cited by Victorian Clinical Genetics Services, Murdoch Childrens Research Institute); PubMed 30586318 (cited by Victorian Clinical Genetics Services, Murdoch Childrens Research Institute); PubMed 35305950 (cited by Victorian Clinical Genetics Services, Murdoch Childrens Research Institute).